The following is an entry in ClinVar:

ClinVar aggregate classification (germline): Likely benign. Review status: criteria provided, multiple submitters, no conflicts (2 of 4 stars). 2 submissions from 2 submitters: Likely benign (2). Last evaluated 2026-04-28.

Conditions:
NDRG1-related disorder. Also called: NDRG1-related condition.
Charcot-Marie-Tooth disease type 4. Also called: Charcot-Marie-Tooth disease, type IV; Charcot-Marie-Tooth, Type 4. Identifiers: Orphanet 64749, MedGen C4082197, MONDO:0018995.

Allele frequency attached by ClinVar (database versions not stated): gnomAD exomes 0.00001; gnomAD 0.00002; TOPMed 0.00002.
gnomAD v4.1: 18 of 1,611,352 alleles (0.0011%); highest among the groups gnomAD compares: Admixed American, 0.0067%; no homozygotes.

Submissions (2):

PreventionGenetics, part of Exact Sciences
Classification: Likely benign for NDRG1-related condition. Last evaluated: 2026-04-28. Review status: criteria provided, single submitter. Criteria: ACMG Guidelines, 2015. Collection method: clinical testing. Allele origin: germline.
Comment: This variant is classified as likely benign based on ACMG/AMP sequence variant interpretation guidelines (Richards et al. 2015 PMID: 25741868, with internal and published modifications).

Labcorp Genetics (formerly Invitae), Labcorp
Classification: Likely benign for Charcot-Marie-Tooth disease type 4. Last evaluated: 2023-09-21. Review status: criteria provided, single submitter. Criteria: Invitae Variant Classification Sherloc (09022015). Collection method: clinical testing. Allele origin: germline.

NM_006096.4(NDRG1):c.321C>T (p.Pro107=)

Gene: NDRG1 (N-myc downstream regulated 1; minus strand). Cytogenetic location: 8q24.22.
Variant type: single nucleotide variant.
Coding change: c.321C>T on transcript NM_006096.4 (MANE Select); coding-DNA position 321, C replaced by T.
Protein change: p.Pro107=; no amino-acid change (proline 107 retained).
Molecular consequence: synonymous variant.
Genome position (GRCh38, 1-based): chr8:133,262,052, G>A on the plus strand (C>T on the coding strand, the complement: NDRG1 is on the minus strand). VCF-style: chr8-133262052-G-A. GRCh37 (hg19) VCF-style: chr8-134274295-G-A.
Other names: c.321C>T, p.Pro107= (NM_001135242.2, NM_001374844.1, NM_001374845.1 and 1 more transcripts); c.123C>T, p.Pro41= (NM_001258432.2, NM_001374847.1); c.78C>T, p.Pro26= (NM_001258433.2).
Identifiers: ClinVar variation 705461 (VCV000705461.11), dbSNP rs1403681249, ClinGen allele CA463020881.
Genomic context (GRCh38, chr8:133,262,052, plus strand): 5'-CTCCCCGACACCCAGTTTCCACCCTGTAGAGCTCATAGGGCAAGAGGCCTCTCACCCTGC[G>A]GGGAAGGAGGCTGCGCCGTCCTGCTGGCCAGGGGCGTCCACGTGGCAGACGGCAAAGTGC-3'
Protein context (NP_006087.2, residues 97-117): PGQQDGAASF[Pro107=]AGYMYPSMDQ